The following is an entry in ClinVar:

NM_006231.4(POLE):c.3011G>C (p.Gly1004Ala)

Gene: POLE (DNA polymerase epsilon, catalytic subunit; minus strand). Cytogenetic location: 12q24.33.
Variant type: single nucleotide variant.
Coding change: c.3011G>C on transcript NM_006231.4 (MANE Select); coding-DNA position 3011, G replaced by C.
Protein change: p.Gly1004Ala; replaces glycine 1004 with alanine.
Molecular consequence: missense variant.
Genome position (GRCh38, 1-based): chr12:132,661,018, C>G on the plus strand (G>C on the coding strand, the complement: POLE is on the minus strand). VCF-style: chr12-132661018-C-G. GRCh37 (hg19) VCF-style: chr12-133237604-C-G.
Other names: short protein forms G1004A.
Identifiers: ClinVar variation 2625221 (VCV002625221.2), dbSNP rs2138689509, ClinGen allele CA387392286.

ClinVar aggregate classification (germline): Uncertain significance (1 of 4 stars; one submission).

Conditions:
Hereditary cancer-predisposing syndrome. Also called: Tumor predisposition; Hereditary Cancer Syndrome; Hereditary neoplastic syndrome; Neoplastic Syndromes, Hereditary. Identifiers: Orphanet 140162, MedGen C0027672, MeSH D009386, MONDO:0015356.

Submission:

Ambry Genetics
Classification: Uncertain significance for Hereditary cancer-predisposing syndrome. Last evaluated: 2023-06-15. Review status: criteria provided, single submitter. Criteria: Ambry Variant Classification Scheme 2023. Collection method: clinical testing. Allele origin: germline.
Comment: The p.G1004A variant (also known as c.3011G>C), located in coding exon 25 of the POLE gene, results from a G to C substitution at nucleotide position 3011. The glycine at codon 1004 is replaced by alanine, an amino acid with similar properties. This amino acid position is conserved. In addition, this alteration is predicted to be tolerated by in silico analysis. Since supporting evidence is limited at this time, the clinical significance of this alteration remains unclear.